The following is an entry in ClinVar:

NM_001035.3(RYR2):c.7259G>C (p.Arg2420Thr)

Gene: RYR2 (ryanodine receptor 2; plus strand). Cytogenetic location: 1q43.
Variant type: single nucleotide variant.
Coding change: c.7259G>C on transcript NM_001035.3 (MANE Select); coding-DNA position 7259, G replaced by C.
Protein change: p.Arg2420Thr; replaces arginine 2420 with threonine.
Molecular consequence: missense variant.
Genome position (GRCh38, 1-based): chr1:237,643,364, G>C. VCF-style: chr1-237643364-G-C. GRCh37 (hg19) VCF-style: chr1-237806664-G-C.
Other names: c.7259G>C, p.Arg2420Thr (LRG_402t1); short protein forms R2420T.
Identifiers: ClinVar variation 404237 (VCV000404237.52), dbSNP rs1060500170, ClinGen allele CA16610036.

ClinVar aggregate classification (germline): Conflicting classifications of pathogenicity. Review status: criteria provided, conflicting classifications (1 of 4 stars). 3 submissions from 3 submitters: Likely pathogenic (1); Uncertain significance (2). Last evaluated 2024-08-22.

Conditions:
RYR2-related disorder. Also called: RYR2-related condition.
Cardiovascular phenotype. Identifiers: MedGen CN230736.
Catecholaminergic polymorphic ventricular tachycardia 1. Also called: RYR2-Related Catecholaminergic Polymorphic Ventricular Tachycardia; VENTRICULAR TACHYCARDIA, CATECHOLAMINERGIC POLYMORPHIC, 1, WITH OR WITHOUT ATRIAL DYSFUNCTION AND/OR DILATED CARDIOMYOPATHY; VENTRICULAR TACHYCARDIA, STRESS-INDUCED POLYMORPHIC 1. Identifiers: Orphanet 3286, MedGen C1631597, MONDO:0011484, OMIM 604772.

Submissions (3):

Ambry Genetics
Classification: Uncertain significance for Cardiovascular phenotype. Last evaluated: 2024-08-22. Review status: criteria provided, single submitter. Criteria: Ambry Variant Classification Scheme 2023. Collection method: clinical testing. Allele origin: germline.
Comment: The p.R2420T variant (also known as c.7259G>C), located in coding exon 48 of the RYR2 gene, results from a G to C substitution at nucleotide position 7259. The arginine at codon 2420 is replaced by threonine, an amino acid with similar properties. This amino acid position is highly conserved in available vertebrate species. In addition, this alteration is predicted to be deleterious by in silico analysis. Based on the available evidence, the clinical significance of this variant remains unclear.

Blueprint Genetics
Classification: Likely pathogenic for RYR2-related disorders. Last evaluated: 2021-04-06. Review status: criteria provided, single submitter. Criteria: ACMG Guidelines, 2015. Collection method: clinical testing. Allele origin: germline. Affected: yes. Observed: 1 variant allele.

Labcorp Genetics (formerly Invitae), Labcorp
Classification: Uncertain significance for Catecholaminergic polymorphic ventricular tachycardia 1. Last evaluated: 2019-06-21. Review status: criteria provided, single submitter. Criteria: Invitae Variant Classification Sherloc (09022015). Collection method: clinical testing. Allele origin: germline.
Comment: This sequence change replaces arginine with threonine at codon 2420 of the RYR2 protein (p.Arg2420Thr). The arginine residue is highly conserved and there is a moderate physicochemical difference between arginine and threonine. This variant is not present in population databases (ExAC no frequency) and has not been reported in the literature in individuals with a RYR2-related disease. Algorithms developed to predict the effect of missense changes on protein structure and function (SIFT, PolyPhen-2, Align-GVGD) all suggest that this variant is likely to be disruptive, but these predictions have not been confirmed by published functional studies. In summary, this variant is a novel missense change with uncertain impact on protein function. It has been classified as a Variant of Uncertain Significance.